The following is an entry in ClinVar:

ClinVar aggregate classification (germline): Uncertain significance (1 of 4 stars; one submission).

Submission:

Dasa
Classification: Uncertain significance. Last evaluated: 2025-02-13. Review status: criteria provided, single submitter. Criteria: DASA Assertion Criteria. Collection method: clinical testing. Allele origin: germline.
Comment: NM_182641.4(BPTF):c.4637C>T (p.Ser1546Leu) is a missense variant that results in the substitution of serine with leucine. This variant is absent from population databases. Computational prediction algorithms are consistent with a benign effect. The currently available literature and clinical evidence are not sufficient to establish a definitive association between this variant and the reported condition. Therefore, this variant is classified as a variant of uncertain significance.

NM_182641.4(BPTF):c.4637C>T (p.Ser1546Leu)

Gene: BPTF (bromodomain PHD finger transcription factor; plus strand). Cytogenetic location: 17q24.2.
Variant type: single nucleotide variant.
Coding change: c.4637C>T on transcript NM_182641.4 (MANE Select); coding-DNA position 4637, C replaced by T.
Protein change: p.Ser1546Leu; replaces serine 1546 with leucine.
Molecular consequence: missense variant.
Genome position (GRCh38, 1-based): chr17:67,912,521, C>T. VCF-style: chr17-67912521-C-T. GRCh37 (hg19) VCF-style: chr17-65908637-C-T.
Other names: c.4826C>T, p.Ser1609Leu (NM_001439139.1, NM_001439141.1, NM_001439143.1 and 1 more transcripts); c.5015C>T, p.Ser1672Leu (NM_001439140.1, NM_001439142.1, NM_004459.7); short protein forms S1546L, S1609L, S1672L.
Identifiers: ClinVar variation 4883434 (VCV004883434.2).